The following is an entry in ClinVar:

ClinVar aggregate classification (germline): Conflicting classifications of pathogenicity. Review status: criteria provided, conflicting classifications (1 of 4 stars). 4 submissions from 4 submitters: Uncertain significance (3); Likely benign (1). Last evaluated 2024-10-05.

Conditions:
Hereditary cancer-predisposing syndrome. Also called: Hereditary Cancer Syndrome; Neoplastic Syndromes, Hereditary; Tumor predisposition; Hereditary neoplastic syndrome. Identifiers: Orphanet 140162, MedGen C0027672, MeSH D009386, MONDO:0015356.
Lynch syndrome. Identifiers: Orphanet 144, MedGen C4552100, MONDO:0005835. Disease mechanism: loss of function.
Hereditary nonpolyposis colorectal neoplasms. Identifiers: MedGen C0009405, MeSH D003123.

gnomAD v4.1: 2 of 1,614,138 alleles (0.00012%); highest among the groups gnomAD compares: Non-Finnish European, 0.000085%; no homozygotes.

Submissions (4):

Ambry Genetics
Classification: Likely benign for Hereditary cancer-predisposing syndrome. Last evaluated: 2024-10-05. Review status: criteria provided, single submitter. Criteria: Ambry Variant Classification Scheme 2023. Collection method: clinical testing. Allele origin: germline.

Quest Diagnostics Nichols Institute San Juan Capistrano
Classification: Uncertain significance. Last evaluated: 2023-12-12. Review status: criteria provided, single submitter. Criteria: Quest Diagnostics criteria. Collection method: clinical testing. Allele origin: unknown.
Comment: The PMS2 c.1712T>G (p.Leu571Arg) variant has not been reported in individuals with PMS2-related conditions in the published literature. It also has not been reported in large, multi-ethnic general populations (Genome Aggregation Database). Analysis of this variant using bioinformatics tools for the prediction of the effect of amino acid changes on protein structure and function yielded predictions that this variant is benign. Based on the available information, we are unable to determine the clinical significance of this variant.

Labcorp Genetics (formerly Invitae), Labcorp
Classification: Uncertain significance for Hereditary nonpolyposis colorectal neoplasms. Last evaluated: 2023-11-24. Review status: criteria provided, single submitter. Criteria: Invitae Variant Classification Sherloc (09022015). Collection method: clinical testing. Allele origin: germline.
Comment: This sequence change replaces leucine, which is neutral and non-polar, with arginine, which is basic and polar, at codon 571 of the PMS2 protein (p.Leu571Arg). This variant is not present in population databases (gnomAD no frequency). This variant has not been reported in the literature in individuals affected with PMS2-related conditions. ClinVar contains an entry for this variant (Variation ID: 480315). Advanced modeling of protein sequence and biophysical properties (such as structural, functional, and spatial information, amino acid conservation, physicochemical variation, residue mobility, and thermodynamic stability) performed at Invitae indicates that this missense variant is not expected to disrupt PMS2 protein function with a negative predictive value of 80%. In summary, the available evidence is currently insufficient to determine the role of this variant in disease. Therefore, it has been classified as a Variant of Uncertain Significance.

Department of Pathology and Laboratory Medicine, Sinai Health System
Classification: Uncertain significance for Lynch syndrome. Last evaluated: 2022-09-28. Review status: criteria provided, single submitter. Criteria: ACMG Guidelines, 2015. Collection method: clinical testing. Allele origin: germline. Affected: yes.

NM_000535.7(PMS2):c.1712T>G (p.Leu571Arg)

Gene: PMS2 (PMS1 homolog 2, mismatch repair system component; minus strand). Cytogenetic location: 7p22.1.
Variant type: single nucleotide variant.
Coding change: c.1712T>G on transcript NM_000535.7 (MANE Select); coding-DNA position 1712, T replaced by G.
Protein change: p.Leu571Arg; replaces leucine 571 with arginine.
Molecular consequence: missense variant. On other transcripts: non-coding transcript variant (1).
Genome position (GRCh38, 1-based): chr7:5,987,053, A>C on the plus strand (T>G on the coding strand, the complement: PMS2 is on the minus strand). VCF-style: chr7-5987053-A-C. GRCh37 (hg19) VCF-style: chr7-6026684-A-C.
Other names: c.1307T>G, p.Leu436Arg (NM_001322003.2, NM_001322004.2, NM_001322005.2 and 1 more transcripts); c.1556T>G, p.Leu519Arg (NM_001322006.2); c.1394T>G, p.Leu465Arg (NM_001322007.2, NM_001322008.2); c.1151T>G, p.Leu384Arg (NM_001322010.2); c.779T>G, p.Leu260Arg (NM_001322011.2, NM_001322012.2); c.1139T>G, p.Leu380Arg (NM_001322013.2); c.1712T>G, p.Leu571Arg (NM_001322014.2); c.1403T>G, p.Leu468Arg (NM_001322015.2); and 1 more; short protein forms L571R, L519R, L384R, L436R, L468R, L260R, L380R, L465R.
Identifiers: ClinVar variation 480315 (VCV000480315.11), dbSNP rs1060503128, ClinGen allele CA366740207.